The following is an entry in ClinVar:

NM_024597.4(MAP7D3):c.2535G>A (p.Ala845=)

Gene: MAP7D3 (MAP7 domain containing 3; minus strand). Cytogenetic location: Xq26.3.
Variant type: single nucleotide variant.
Coding change: c.2535G>A on transcript NM_024597.4 (MANE Select); coding-DNA position 2535, G replaced by A.
Protein change: p.Ala845=; no amino-acid change (alanine 845 retained).
Molecular consequence: synonymous variant.
Genome position (GRCh38, 1-based): chrX:136,219,623, C>T on the plus strand (G>A on the coding strand, the complement: MAP7D3 is on the minus strand). VCF-style: chrX-136219623-C-T. GRCh37 (hg19) VCF-style: chrX-135301782-C-T.
Other names: c.2481G>A, p.Ala827= (NM_001173516.1); c.2430G>A, p.Ala810= (NM_001173517.2).
Identifiers: ClinVar variation 3045196 (VCV003045196.2), dbSNP rs370445924, ClinGen allele CA10525237.

ClinVar aggregate classification (germline): Likely benign (0 of 4 stars; one submission).

Conditions:
MAP7D3-related disorder. Also called: MAP7D3-related condition.

Allele frequency attached by ClinVar (database versions not stated): ExAC 0.00005; ESP Exome Variant Server 0.00010; TOPMed 0.00014; gnomAD 0.00016; gnomAD exomes 0.00017.
gnomAD v4.1: 207 of 1,206,522 alleles (0.017%); highest among the groups gnomAD compares: Non-Finnish European, 0.021%; 1 homozygote.

Submission:

PreventionGenetics, part of Exact Sciences
Classification: Likely benign for MAP7D3-related condition. Last evaluated: 2019-11-07. Review status: no assertion criteria provided. Collection method: clinical testing. Allele origin: germline.
Comment: This variant is classified as likely benign based on ACMG/AMP sequence variant interpretation guidelines (Richards et al. 2015 PMID: 25741868, with internal and published modifications).